The following is an entry in ClinVar:

NM_001369268.1(ACAN):c.848C>T (p.Thr283Met)

Gene: ACAN (aggrecan; plus strand). Cytogenetic location: 15q26.1.
Variant type: single nucleotide variant.
Coding change: c.848C>T on transcript NM_001369268.1 (MANE Select); coding-DNA position 848, C replaced by T.
Protein change: p.Thr283Met; replaces threonine 283 with methionine.
Molecular consequence: missense variant.
Genome position (GRCh38, 1-based): chr15:88,843,445, C>T. VCF-style: chr15-88843445-C-T. GRCh37 (hg19) VCF-style: chr15-89386676-C-T.
Other names: c.848C>T, p.Thr283Met (NM_001135.4, NM_001411096.1, NM_001411097.1 and 1 more transcripts); short protein forms T283M.
Identifiers: ClinVar variation 2891485 (VCV002891485.3), dbSNP rs749047801, ClinGen allele CA7719382.

ClinVar aggregate classification (germline): Uncertain significance (1 of 4 stars; one submission).

Allele frequency attached by ClinVar (database versions not stated): gnomAD 0.00003; TOPMed 0.00004; ExAC 0.00003; gnomAD exomes 0.00005.
gnomAD v4.1: 83 of 1,609,736 alleles (0.0052%); highest among the groups gnomAD compares: East Asian, 0.025%; no homozygotes.

Submission:

Labcorp Genetics (formerly Invitae), Labcorp
Classification: Uncertain significance. Last evaluated: 2025-09-07. Review status: criteria provided, single submitter. Criteria: Invitae Variant Classification Sherloc (09022015). Collection method: clinical testing. Allele origin: germline.
Comment: This sequence change replaces threonine, which is neutral and polar, with methionine, which is neutral and non-polar, at codon 283 of the ACAN protein (p.Thr283Met). This variant is present in population databases (rs749047801, gnomAD 0.02%). This variant has not been reported in the literature in individuals affected with ACAN-related conditions. ClinVar contains an entry for this variant (Variation ID: 2891485). Invitae Evidence Modeling of protein sequence and biophysical properties (such as structural, functional, and spatial information, amino acid conservation, physicochemical variation, residue mobility, and thermodynamic stability) indicates that this missense variant is not expected to disrupt ACAN protein function with a negative predictive value of 80%. In summary, the available evidence is currently insufficient to determine the role of this variant in disease. Therefore, it has been classified as a Variant of Uncertain Significance.